The following is an entry in ClinVar:

ClinVar aggregate classification (germline): Benign/Likely benign. Review status: criteria provided, multiple submitters, no conflicts (2 of 4 stars). 2 submissions from 2 submitters: Benign (1); Likely benign (1). Last evaluated 2026-01-16.

Conditions:
Birt-Hogg-Dube syndrome 1 (BHD1). Also called: FIBROFOLLICULOMAS WITH TRICHODISCOMAS AND ACROCHORDONS. Identifiers: Orphanet 122, MedGen CN375946, MONDO:0800445, OMIM 135150.
Birt-Hogg-Dube syndrome. Also called: Birt Hogg Dubé syndrome. Identifiers: Orphanet 122, MedGen C0346010, MONDO:0800444.

Allele frequency attached by ClinVar (database versions not stated): gnomAD exomes 0.00001 and 0.00002; TOPMed 0.00002; ExAC 0.00005; ESP Exome Variant Server 0.00008.
gnomAD v4.1: 18 of 1,613,502 alleles (0.0011%); highest among the groups gnomAD compares: Admixed American, 0.0083%; no homozygotes.

Submissions (2):

Labcorp Genetics (formerly Invitae), Labcorp
Classification: Likely benign for Birt-Hogg-Dube syndrome. Last evaluated: 2026-01-16. Review status: criteria provided, single submitter. Criteria: Invitae Variant Classification Sherloc (09022015). Collection method: clinical testing. Allele origin: germline.

Myriad Genetics, Inc.
Classification: Benign for Birt-Hogg-Dube syndrome 1. Last evaluated: 2024-09-11. Review status: criteria provided, single submitter. Criteria: Myriad Autosomal Dominant, Autosomal Recessive and X-Linked Classification Criteria (2023). Collection method: clinical testing. Allele origin: unknown.
Comment: This variant is considered benign. This variant is intronic and is not expected to impact mRNA splicing. This variant has been observed at a population frequency that is significantly greater than expected given the associated disease prevalence and penetrance.

NM_144997.7(FLCN):c.1301-20C>T

Gene: FLCN (folliculin; minus strand). Cytogenetic location: 17p11.2.
Variant type: single nucleotide variant.
Coding change: c.1301-20C>T on transcript NM_144997.7 (MANE Select); 20 bases into the intron before coding-DNA position 1301, C replaced by T.
Molecular consequence: intron variant.
Genome position (GRCh38, 1-based): chr17:17,215,336, G>A on the plus strand (C>T on the coding strand, the complement: FLCN is on the minus strand). VCF-style: chr17-17215336-G-A. GRCh37 (hg19) VCF-style: chr17-17118650-G-A.
Other names: c.1301-20C>T (NM_001353231.2, NM_001353230.2); c.1355-20C>T (NM_001353229.2).
Identifiers: ClinVar variation 1673166 (VCV001673166.9), dbSNP rs370464300, ClinGen allele CA8416040.